The following is an entry in ClinVar:

ClinVar aggregate classification (germline): Uncertain significance (1 of 4 stars; one submission).

Conditions:
Hereditary sensory and autonomic neuropathy type 6. Also called: HSAN VI; Neuropathy, hereditary sensory and autonomic, type VI. Identifiers: Orphanet 314381, MedGen C3539003, MONDO:0013839, OMIM 614653.
Epidermolysis bullosa simplex 3, localized or generalized intermediate, with BP230 deficiency (EBS3). Also called: Epidermolysis bullosa simplex due to BP230 deficiency; Epidermolysis bullosa simplex, autosomal recessive 2. Identifiers: Orphanet 412181, MedGen C3809470, MONDO:0014180, OMIM 615425.

Allele frequency attached by ClinVar (database versions not stated): ExAC 0.00001; gnomAD 0.00003 and 0.00004; 1000 Genomes Project 0.00020; gnomAD exomes 0.00001; TOPMed 0.00003; 1000 Genomes Project 30x 0.00016.
gnomAD v4.1: 28 of 1,614,184 alleles (0.0017%); highest among the groups gnomAD compares: African/African-American, 0.0027%; no homozygotes.

Submission:

Labcorp Genetics (formerly Invitae), Labcorp
Classification: Uncertain significance for Epidermolysis bullosa simplex 3, localized or generalized intermediate, with BP230 deficiency; Hereditary sensory and autonomic neuropathy type 6. Last evaluated: 2021-08-28. Review status: criteria provided, single submitter. Criteria: Invitae Variant Classification Sherloc (09022015). Collection method: clinical testing. Allele origin: germline.
Comment: This sequence change replaces arginine with glutamine at codon 2473 of the DST protein (p.Arg2473Gln). The arginine residue is weakly conserved and there is a small physicochemical difference between arginine and glutamine. This variant is present in population databases (rs575960186, ExAC 0.001%). This variant has not been reported in the literature in individuals affected with DST-related conditions. Algorithms developed to predict the effect of missense changes on protein structure and function are either unavailable or do not agree on the potential impact of this missense change (SIFT: "Tolerated"; PolyPhen-2: "Probably Damaging"; Align-GVGD: "Class C0"). In summary, the available evidence is currently insufficient to determine the role of this variant in disease. Therefore, it has been classified as a Variant of Uncertain Significance.

NM_001723.7(DST):c.7418G>A (p.Arg2473Gln)

Gene: DST (dystonin; minus strand). Cytogenetic location: 6p12.1.
Variant type: single nucleotide variant.
Coding change: c.7418G>A on transcript NM_001723.7 (MANE Plus Clinical); coding-DNA position 7418, G replaced by A.
Protein change: p.Arg2473Gln; replaces arginine 2473 with glutamine.
Molecular consequence: missense variant. On other transcripts: intron variant (10).
Genome position (GRCh38, 1-based): chr6:56,616,049, C>T on the plus strand (G>A on the coding strand, the complement: DST is on the minus strand). VCF-style: chr6-56616049-C-T. GRCh37 (hg19) VCF-style: chr6-56480847-C-T.
Other names: c.4831-1565G>A (NM_001144769.5); c.4930-1565G>A (NM_001374722.1, NM_001374736.1); c.4957-1565G>A (NM_001374734.1); c.4417-1565G>A (NM_001144770.2); c.4297-1565G>A (NM_001374730.1, NM_001386100.1, NM_183380.4 and 1 more transcripts); c.3319-1565G>A (NM_015548.5); short protein forms R2473Q.
Identifiers: ClinVar variation 657240 (VCV000657240.8), dbSNP rs575960186, ClinGen allele CA3869969.
Genomic context (GRCh38, chr6:56,616,049, plus strand): 5'-AGAGGATCAATTATGCCCCCTGTACTGACTTGGGCTTCAAGGCATCGGAGGGCAGTAATC[C>T]GATCAACCAAATTTCTACGGGAGGCTTTTAGTACAGAGATCCTTTCCCCACTAGCAGTCA-3'
Protein context (NP_001714.1, residues 2463-2483): LKASRRNLVD[Arg2473Gln]ITALRCLEAQ